The following is an entry in ClinVar:

ClinVar aggregate classification (germline): Pathogenic/Likely pathogenic. Review status: criteria provided, multiple submitters, no conflicts (2 of 4 stars). 5 submissions from 5 submitters: Pathogenic (4); Likely pathogenic (1). Last evaluated 2025-10-10.

Conditions:
Hereditary cancer-predisposing syndrome. Also called: Neoplastic Syndromes, Hereditary; Hereditary Cancer Syndrome; Tumor predisposition; Hereditary neoplastic syndrome. Identifiers: Orphanet 140162, MedGen C0027672, MeSH D009386, MONDO:0015356.
Familial cancer of breast. Also called: hereditary breast carcinoma; BREAST CANCER, FAMILIAL; Hereditary breast cancer. Identifiers: Orphanet 227535, MedGen C0346153, MONDO:0016419, OMIM 114480. Disease mechanism: loss of function.

Submissions (5):

Labcorp Genetics (formerly Invitae), Labcorp
Classification: Pathogenic for Familial cancer of breast. Last evaluated: 2025-10-10. Review status: criteria provided, single submitter. Criteria: Invitae Variant Classification Sherloc (09022015). Collection method: clinical testing. Allele origin: germline.
Comment: This sequence change creates a premature translational stop signal (p.Gln206Alafs*8) in the BARD1 gene. It is expected to result in an absent or disrupted protein product. Loss-of-function variants in BARD1 are known to be pathogenic (PMID: 20077502, 21344236). This variant is not present in population databases (gnomAD no frequency). This variant has not been reported in the literature in individuals affected with BARD1-related conditions. ClinVar contains an entry for this variant (Variation ID: 574373). For these reasons, this variant has been classified as Pathogenic.

Ambry Genetics
Classification: Pathogenic for Hereditary cancer-predisposing syndrome. Last evaluated: 2023-11-14. Review status: criteria provided, single submitter. Criteria: Ambry Variant Classification Scheme 2023. Collection method: clinical testing. Allele origin: germline.
Comment: The c.614dupA pathogenic mutation, located in coding exon 4 of the BARD1 gene, results from a duplication of A at nucleotide position 614, causing a translational frameshift with a predicted alternate stop codon (p.Q206Afs*8). This mutation has been previously reported in a cohort of 4439 ovarian cancer patients (Carter NJ et al. Gynecol. Oncol., 2018 12;151:481-488). In addition to the clinical data presented in the literature, this alteration is expected to result in loss of function by premature protein truncation or nonsense-mediated mRNA decay. As such, this alteration is interpreted as a disease-causing mutation.

Myriad Genetics, Inc.
Classification: Pathogenic for Familial cancer of breast. Last evaluated: 2023-05-19. Review status: criteria provided, single submitter. Criteria: Myriad Autosomal Dominant, Autosomal Recessive and X-Linked Classification Criteria (2023). Collection method: clinical testing. Allele origin: unknown.
Comment: This variant is considered pathogenic. This variant creates a frameshift predicted to result in premature protein truncation.

GeneDx
Classification: Likely pathogenic. Last evaluated: 2023-03-14. Review status: criteria provided, single submitter. Criteria: GeneDx Variant Classification Process June 2021. Collection method: clinical testing. Allele origin: germline. Affected: yes.
Comment: Frameshift variant predicted to result in protein truncation or nonsense mediated decay in a gene for which loss of function is a known mechanism of disease; Not observed at significant frequency in large population cohorts (gnomAD); Observed in an individual with ovarian cancer (Carter et al., 2018); This variant is associated with the following publications: (PMID: 20077502, 21344236, 30322717, 33804961)

Baylor Genetics
Classification: Pathogenic for Familial cancer of breast. Last evaluated: 2023-03-03. Review status: criteria provided, single submitter. Criteria: ACMG Guidelines, 2015. Collection method: clinical testing. Allele origin: unknown.

Literature cited by the submitters: PubMed 20077502 (cited by Labcorp Genetics (formerly Invitae), Labcorp); PubMed 21344236 (cited by Labcorp Genetics (formerly Invitae), Labcorp); PubMed 30322717 (cited by Ambry Genetics).

NM_000465.4(BARD1):c.614dup (p.Gln206fs)

Gene: BARD1 (BRCA1 associated RING domain 1; minus strand). Cytogenetic location: 2q35.
Variant type: Duplication.
Coding change: c.614dup on transcript NM_000465.4 (MANE Select); coding-DNA position 614, one base duplicated (A; older notation c.614dupA).
Protein change: p.Gln206fs; shifts the reading frame from glutamine 206.
Molecular consequence: frameshift variant. On other transcripts: non-coding transcript variant (2), intron variant (3).
Genome position (GRCh38, 1-based): chr2:214,781,260, T duplicated on the plus strand (A on the coding strand, the reverse complement: BARD1 is on the minus strand); the first of 6 consecutive T bases (chr2:214,781,260-214,781,265); duplicating any one gives the same sequence. VCF-style (leftmost placement, unchanged base first): chr2-214781259-C-CT. GRCh37 (hg19) VCF-style: chr2-215645983-C-CT.
Other names: c.614dupA (NM_000465.3, NM_000465.2); c.557dup, p.Gln187fs (NM_001282543.2); c.158+28147dup (NM_001282548.2); c.215+15796dup (NM_001282545.2); c.364+11032dup (NM_001282549.2); c.614dup (NM_000465.2); short protein forms Q187fs, Q206fs.
Identifiers: ClinVar variation 574373 (VCV000574373.15), dbSNP rs1559425604, ClinGen allele CA891843068.
Genomic context (GRCh38, chr2:214,781,259, plus strand): 5'-TTCTTTTTCTGCCTCTAAATTCCATTTTTGGTTGATTTCAGCTAAAGTTTTCTTTTTTTG[C>CT]TTTTTTCCAGATCTTGCAGAAGCCTTTTTAGCCCTCTCAGAAACATCTGCAGGAGGACTT-3'